The following is an entry in ClinVar:

NM_001077525.3(MTMR14):c.520G>A (p.Val174Met)

Gene: MTMR14 (myotubularin related protein 14; plus strand). Cytogenetic location: 3p25.3.
Variant type: single nucleotide variant.
Coding change: c.520G>A on transcript NM_001077525.3 (MANE Select); coding-DNA position 520, G replaced by A.
Protein change: p.Val174Met; replaces valine 174 with methionine.
Molecular consequence: missense variant.
Genome position (GRCh38, 1-based): chr3:9,669,458, G>A. VCF-style: chr3-9669458-G-A. GRCh37 (hg19) VCF-style: chr3-9711142-G-A.
Other names: c.520G>A, p.Val174Met (NM_001077526.3, NM_022485.5); short protein forms V174M.
Identifiers: ClinVar variation 1469712 (VCV001469712.6), dbSNP rs771834344, ClinGen allele CA2240332.

ClinVar aggregate classification (germline): Uncertain significance (1 of 4 stars; one submission).

Allele frequency attached by ClinVar (database versions not stated): ExAC 0.00001; gnomAD exomes 0.00001.
gnomAD v4.1: 7 of 1,613,970 alleles (0.00043%); highest among the groups gnomAD compares: South Asian, 0.0077%; no homozygotes.

Submission:

Labcorp Genetics (formerly Invitae), Labcorp
Classification: Uncertain significance. Last evaluated: 2024-02-24. Review status: criteria provided, single submitter. Criteria: Invitae Variant Classification Sherloc (09022015). Collection method: clinical testing. Allele origin: germline.
Comment: This sequence change replaces valine, which is neutral and non-polar, with methionine, which is neutral and non-polar, at codon 174 of the MTMR14 protein (p.Val174Met). This variant is present in population databases (rs771834344, gnomAD 0.007%). This variant has not been reported in the literature in individuals affected with MTMR14-related conditions. ClinVar contains an entry for this variant (Variation ID: 1469712). Advanced modeling of protein sequence and biophysical properties (such as structural, functional, and spatial information, amino acid conservation, physicochemical variation, residue mobility, and thermodynamic stability) performed at Invitae indicates that this missense variant is not expected to disrupt MTMR14 protein function with a negative predictive value of 80%. In summary, the available evidence is currently insufficient to determine the role of this variant in disease. Therefore, it has been classified as a Variant of Uncertain Significance.